The following is an entry in ClinVar:

NM_001563.4(IMPG1):c.991G>C (p.Glu331Gln)

Gene: IMPG1 (interphotoreceptor matrix proteoglycan 1; minus strand). Cytogenetic location: 6q14.1.
Variant type: single nucleotide variant.
Coding change: c.991G>C on transcript NM_001563.4 (MANE Select); coding-DNA position 991, G replaced by C.
Protein change: p.Glu331Gln; replaces glutamic acid 331 with glutamine.
Molecular consequence: missense variant.
Genome position (GRCh38, 1-based): chr6:76,005,431, C>G on the plus strand (G>C on the coding strand, the complement: IMPG1 is on the minus strand). VCF-style: chr6-76005431-C-G. GRCh37 (hg19) VCF-style: chr6-76715148-C-G.
Other names: c.757G>C, p.Glu253Gln (NM_001282368.2); short protein forms E253Q, E331Q.
Identifiers: ClinVar variation 2695323 (VCV002695323.3), dbSNP rs2481473604, ClinGen allele CA364774281.

ClinVar aggregate classification (germline): Uncertain significance (1 of 4 stars; one submission).

Submission:

Labcorp Genetics (formerly Invitae), Labcorp
Classification: Uncertain significance. Last evaluated: 2025-05-05. Review status: criteria provided, single submitter. Criteria: Invitae Variant Classification Sherloc (09022015). Collection method: clinical testing. Allele origin: germline.
Comment: This sequence change replaces glutamic acid, which is acidic and polar, with glutamine, which is neutral and polar, at codon 331 of the IMPG1 protein (p.Glu331Gln). This variant is not present in population databases (gnomAD no frequency). This variant has not been reported in the literature in individuals affected with IMPG1-related conditions. ClinVar contains an entry for this variant (Variation ID: 2695323). An algorithm developed to predict the effect of missense changes on protein structure and function (PolyPhen-2) suggests that this variant is likely to be disruptive. In summary, the available evidence is currently insufficient to determine the role of this variant in disease. Therefore, it has been classified as a Variant of Uncertain Significance.